The following is an entry in ClinVar:

NM_019098.5(CNGB3):c.563T>C (p.Leu188Ser)

Gene: CNGB3 (cyclic nucleotide gated channel subunit beta 3; minus strand). Cytogenetic location: 8q21.3.
Variant type: single nucleotide variant.
Coding change: c.563T>C on transcript NM_019098.5 (MANE Select); coding-DNA position 563, T replaced by C.
Protein change: p.Leu188Ser; replaces leucine 188 with serine.
Molecular consequence: missense variant.
Genome position (GRCh38, 1-based): chr8:86,668,099, A>G on the plus strand (T>C on the coding strand, the complement: CNGB3 is on the minus strand). VCF-style: chr8-86668099-A-G. GRCh37 (hg19) VCF-style: chr8-87680327-A-G.
Other names: short protein forms L188S.
Identifiers: ClinVar variation 2191940 (VCV002191940.1), dbSNP rs369882898, ClinGen allele CA371449867.

ClinVar aggregate classification (germline): Uncertain significance (1 of 4 stars; one submission).

Allele frequency attached by ClinVar (database versions not stated): gnomAD exomes 0.00001; TOPMed 0.00002.

Submission:

Labcorp Genetics (formerly Invitae), Labcorp
Classification: Uncertain significance. Last evaluated: 2022-04-08. Review status: criteria provided, single submitter. Criteria: Invitae Variant Classification Sherloc (09022015). Collection method: clinical testing. Allele origin: germline.
Comment: This sequence change replaces leucine, which is neutral and non-polar, with serine, which is neutral and polar, at codon 188 of the CNGB3 protein (p.Leu188Ser). This variant is present in population databases (no rsID available, gnomAD 0.006%). This variant has not been reported in the literature in individuals affected with CNGB3-related conditions. Advanced modeling of protein sequence and biophysical properties (such as structural, functional, and spatial information, amino acid conservation, physicochemical variation, residue mobility, and thermodynamic stability) performed at Invitae indicates that this missense variant is not expected to disrupt CNGB3 protein function. In summary, the available evidence is currently insufficient to determine the role of this variant in disease. Therefore, it has been classified as a Variant of Uncertain Significance.